The following is an entry in ClinVar:

NM_032608.7(MYO18B):c.7429A>G (p.Thr2477Ala)

Gene: MYO18B (myosin XVIIIB; plus strand). Cytogenetic location: 22q12.1.
Variant type: single nucleotide variant.
Coding change: c.7429A>G on transcript NM_032608.7 (MANE Select); coding-DNA position 7429, A replaced by G.
Protein change: p.Thr2477Ala; replaces threonine 2477 with alanine.
Molecular consequence: missense variant.
Genome position (GRCh38, 1-based): chr22:26,027,403, A>G. VCF-style: chr22-26027403-A-G. GRCh37 (hg19) VCF-style: chr22-26423369-A-G.
Other names: c.7432A>G, p.Thr2478Ala (NM_001318245.2); c.7429A>G (NM_032608.5); short protein forms T2478A, T2477A.
Identifiers: ClinVar variation 1502713 (VCV001502713.7), dbSNP rs1280344801, ClinGen allele CA411012454.

ClinVar aggregate classification (germline): Uncertain significance. Review status: criteria provided, multiple submitters, no conflicts (2 of 4 stars). 4 submissions from 4 submitters: Uncertain significance (4). Last evaluated 2024-04-06.

Conditions:
Klippel-Feil anomaly-myopathy-facial dysmorphism syndrome. Also called: Klippel-feil syndrome 4, autosomal recessive, with nemaline myopathy and facial dysmorphism; Klippel-Feil syndrome 4, autosomal recessive, with myopathy and facial dysmorphism. Identifiers: Orphanet 447974, MedGen C4225285, MONDO:0014689, OMIM 616549.
Inborn genetic diseases. Identifiers: MedGen C0950123, MeSH D030342.

Allele frequency attached by ClinVar (database versions not stated): gnomAD exomes below 0.00001; TOPMed 0.00001; gnomAD 0.00002.
gnomAD v4.1: 24 of 1,613,800 alleles (0.0015%); highest among the groups gnomAD compares: East Asian, 0.011%; no homozygotes.

Submissions (4):

Ambry Genetics
Classification: Uncertain significance for Inborn genetic diseases. Last evaluated: 2024-04-06. Review status: criteria provided, single submitter. Criteria: Ambry Variant Classification Scheme 2023. Collection method: clinical testing. Allele origin: germline.

GeneDx
Classification: Uncertain significance. Last evaluated: 2024-01-10. Review status: criteria provided, single submitter. Criteria: GeneDx Variant Classification Process June 2021. Collection method: clinical testing. Allele origin: germline. Affected: yes.
Comment: In silico analysis supports that this missense variant does not alter protein structure/function; Has not been previously published as pathogenic or benign to our knowledge

Revvity Omics, Revvity
Classification: Uncertain significance for Klippel-Feil anomaly-myopathy-facial dysmorphism syndrome. Last evaluated: 2023-02-07. Review status: criteria provided, single submitter. Criteria: ACMG Guidelines, 2015. Collection method: clinical testing. Allele origin: germline.

Labcorp Genetics (formerly Invitae), Labcorp
Classification: Uncertain significance. Last evaluated: 2022-05-15. Review status: criteria provided, single submitter. Criteria: Invitae Variant Classification Sherloc (09022015). Collection method: clinical testing. Allele origin: germline.
Comment: This sequence change replaces threonine, which is neutral and polar, with alanine, which is neutral and non-polar, at codon 2477 of the MYO18B protein (p.Thr2477Ala). This variant is present in population databases (no rsID available, gnomAD 0.02%). This variant has not been reported in the literature in individuals affected with MYO18B-related conditions. Algorithms developed to predict the effect of missense changes on protein structure and function are either unavailable or do not agree on the potential impact of this missense change (SIFT: "Not Available"; PolyPhen-2: "Benign"; Align-GVGD: "Not Available"). In summary, the available evidence is currently insufficient to determine the role of this variant in disease. Therefore, it has been classified as a Variant of Uncertain Significance.